The following is an entry in ClinVar:

ClinVar aggregate classification (germline): Uncertain significance. Review status: criteria provided, multiple submitters, no conflicts (2 of 4 stars). 3 submissions from 3 submitters: Uncertain significance (2). 1 of the submissions does not count toward it. Last evaluated 2025-11-20.

Conditions:
Pontocerebellar hypoplasia type 2D (PCH2D). Also called: Progressive cerebello-cerebral atrophy. Identifiers: Orphanet 247198, Orphanet 2524, MedGen C3151140, MONDO:0013438, OMIM 613811.
Inborn genetic diseases. Identifiers: MedGen C0950123, MeSH D030342.

Allele frequency attached by ClinVar (database versions not stated): TOPMed 0.00002.
gnomAD v4.1: 16 of 1,613,910 alleles (0.00099%); highest among the groups gnomAD compares: Non-Finnish European, 0.0013%; no homozygotes.

Submissions (3):

Ambry Genetics
Classification: Uncertain significance for Inborn genetic diseases. Last evaluated: 2025-11-20. Review status: criteria provided, single submitter. Criteria: Ambry Variant Classification Scheme 2023. Collection method: clinical testing. Allele origin: germline.

GeneDx
Classification: Uncertain significance. Last evaluated: 2017-08-21. Review status: criteria provided, single submitter. Criteria: GeneDx Variant Classification (06012015). Collection method: clinical testing. Allele origin: germline. Affected: yes.
Comment: The Y164C variant in the SEPSECS gene has not been reported previously as a pathogenic variant, nor as a benign variant, to our knowledge. The Y164C variant is not observed in large population cohorts (Lek et al., 2016; 1000 Genomes Consortium et al., 2015; Exome Variant Server). The Y164C variant is a non-conservative amino acid substitution, which is likely to impact secondary protein structure as these residues differ in polarity, charge, size and/or other properties. This substitution occurs at a position that is conserved across species. In silico analysis predicts this variant is probably damaging to the protein structure/function. We interpret Y164C as a variant of uncertain significance.

Natera, Inc.
Classification: Uncertain significance for Pontocerebellar hypoplasia type 2d. Last evaluated: 2021-04-26. Review status: no assertion criteria provided. Collection method: clinical testing. Allele origin: germline. Not counted in ClinVar's aggregate classification.

NM_016955.4(SEPSECS):c.491A>G (p.Tyr164Cys)

Gene: SEPSECS (Sep (O-phosphoserine) tRNA:Sec (selenocysteine) tRNA synthase; minus strand). Cytogenetic location: 4p15.2.
Variant type: single nucleotide variant.
Coding change: c.491A>G on transcript NM_016955.4 (MANE Select); coding-DNA position 491, A replaced by G.
Protein change: p.Tyr164Cys; replaces tyrosine 164 with cysteine.
Molecular consequence: missense variant.
Genome position (GRCh38, 1-based): chr4:25,156,093, T>C on the plus strand (A>G on the coding strand, the complement: SEPSECS is on the minus strand). VCF-style: chr4-25156093-T-C. GRCh37 (hg19) VCF-style: chr4-25157715-T-C.
Other names: short protein forms Y164C.
Identifiers: ClinVar variation 451511 (VCV000451511.4), dbSNP rs768840152, ClinGen allele CA93584344.
Genomic context (GRCh38, chr4:25,156,093, plus strand): 5'-TTACCTGCAGTGATCATGGATTTAAAGCAGGACTTCTGGTCTATTCGTGGCCATATAATA[T>C]ACTTTGCCTTTGGTCTTTTGTGTCGTAATGTTAAGAAACACAGAGTTAGACTCATACCAG-3'
Protein context (NP_058651.3, residues 154-174): TLRHKRPKAK[Tyr164Cys]IIWPRIDQKS